The following is an entry in ClinVar:

NM_000552.5(VWF):c.2186+2T>C

Gene: VWF (von Willebrand factor; minus strand). Cytogenetic location: 12p13.31.
Variant type: single nucleotide variant.
Coding change: c.2186+2T>C on transcript NM_000552.5 (MANE Select); the canonical splice donor site of the intron after coding-DNA position 2186, T replaced by C.
Molecular consequence: splice donor variant.
Genome position (GRCh38, 1-based): chr12:6,052,541, A>G on the plus strand (T>C on the coding strand, the complement: VWF is on the minus strand). VCF-style: chr12-6052541-A-G. GRCh37 (hg19) VCF-style: chr12-6161707-A-G.
Identifiers: ClinVar variation 1065254 (VCV001065254.3), dbSNP rs2136449402, ClinGen allele CA383494104.

ClinVar aggregate classification (germline): Uncertain significance (0 of 4 stars; one submission).

Conditions:
von Willebrand disease type 3 (VWD3). Also called: Type 3 Von Willebrand's disease; Type 3 VWD; Von Willebrand disease, severe form; V WD3; VON WILLEBRAND DISEASE, TYPE III. Identifiers: Orphanet 166096, MedGen C1264041, MONDO:0010191, OMIM 277480.

Submission:

Angelo Bianchi Bonomi Hemophilia and Thrombosis Center, Fondazione IRCCS Ca Granda Ospedale Maggiore Policlinico
Classification: Uncertain significance for von Willebrand disease type 3. Last evaluated: 2020-11-01. Review status: no assertion criteria provided. Collection method: clinical testing. Allele origin: germline. Affected: yes. Study: Type 3 Von Willebrand International Registries Inhibitor Prospective Study (3WINTERS-IPS).
Comment: ClinGen Pathogenicity Calculator